The following is an entry in ClinVar:

NM_005732.4(RAD50):c.3112A>G (p.Arg1038Gly)

Gene: RAD50 (RAD50 double strand break repair protein; plus strand). Cytogenetic location: 5q31.1.
Variant type: single nucleotide variant.
Coding change: c.3112A>G on transcript NM_005732.4 (MANE Select); coding-DNA position 3112, A replaced by G.
Protein change: p.Arg1038Gly; replaces arginine 1038 with glycine.
Molecular consequence: missense variant.
Genome position (GRCh38, 1-based): chr5:132,616,078, A>G. VCF-style: chr5-132616078-A-G. GRCh37 (hg19) VCF-style: chr5-131951770-A-G.
Other names: short protein forms R1038G.
Identifiers: ClinVar variation 2853178 (VCV002853178.3), dbSNP rs1047387, ClinGen allele CA127264240.

ClinVar aggregate classification (germline): Uncertain significance (1 of 4 stars; one submission).

Conditions:
Hereditary cancer-predisposing syndrome. Also called: Neoplastic Syndromes, Hereditary; Hereditary Cancer Syndrome; Tumor predisposition; Hereditary neoplastic syndrome. Identifiers: Orphanet 140162, MedGen C0027672, MeSH D009386, MONDO:0015356.

Submission:

Labcorp Genetics (formerly Invitae), Labcorp
Classification: Uncertain significance for Hereditary cancer-predisposing syndrome. Last evaluated: 2023-10-17. Review status: criteria provided, single submitter. Criteria: Invitae Variant Classification Sherloc (09022015). Collection method: clinical testing. Allele origin: germline.
Comment: This sequence change replaces arginine, which is basic and polar, with glycine, which is neutral and non-polar, at codon 1038 of the RAD50 protein (p.Arg1038Gly). This variant is not present in population databases (gnomAD no frequency). This variant has not been reported in the literature in individuals affected with RAD50-related conditions. Advanced modeling of protein sequence and biophysical properties (such as structural, functional, and spatial information, amino acid conservation, physicochemical variation, residue mobility, and thermodynamic stability) performed at Invitae indicates that this missense variant is expected to disrupt RAD50 protein function. In summary, the available evidence is currently insufficient to determine the role of this variant in disease. Therefore, it has been classified as a Variant of Uncertain Significance.